The following is an entry in ClinVar:

NM_000049.4(ASPA):c.40G>A (p.Val14Ile)

Genes: ASPA (aspartoacylase; plus strand), SPATA22 (spermatogenesis associated 22; minus strand). Cytogenetic location: 17p13.2.
Variant type: single nucleotide variant.
Coding change: c.40G>A on transcript NM_000049.4 (MANE Select); coding-DNA position 40, G replaced by A.
Protein change: p.Val14Ile; replaces valine 14 with isoleucine.
Molecular consequence: missense variant. On other transcripts: intron variant (2).
Genome position (GRCh38, 1-based): chr17:3,476,199, G>A. VCF-style: chr17-3476199-G-A. GRCh37 (hg19) VCF-style: chr17-3379493-G-A.
Other names: c.40G>A, p.Val14Ile (NM_001128085.1); c.-73-6801C>T (NM_001321336.2, NM_001321337.2); short protein forms V14I.
Identifiers: ClinVar variation 1951336 (VCV001951336.4), dbSNP rs1359412629, ClinGen allele CA397681085.

ClinVar aggregate classification (germline): Uncertain significance (1 of 4 stars; one submission).

Conditions:
Spongy degeneration of central nervous system. Also called: ACY2 DEFICIENCY; AMINOACYLASE 2 DEFICIENCY; ASP DEFICIENCY; ASPA DEFICIENCY; ASPARTOACYLASE DEFICIENCY; CANAVAN-VAN BOGAERT-BERTRAND DISEASE. Identifiers: Orphanet 141, MedGen C0206307, MONDO:0010079, OMIM 271900.

Allele frequency attached by ClinVar (database versions not stated): TOPMed below 0.00001.
gnomAD v4.1: 1 of 1,614,042 alleles (0.000062%); highest among the groups gnomAD compares: Non-Finnish European, 0.000085%; no homozygotes.

Submission:

Labcorp Genetics (formerly Invitae), Labcorp
Classification: Uncertain significance for Spongy degeneration of central nervous system. Last evaluated: 2022-03-14. Review status: criteria provided, single submitter. Criteria: Invitae Variant Classification Sherloc (09022015). Collection method: clinical testing. Allele origin: germline.
Comment: In summary, the available evidence is currently insufficient to determine the role of this variant in disease. Therefore, it has been classified as a Variant of Uncertain Significance. This sequence change replaces valine, which is neutral and non-polar, with isoleucine, which is neutral and non-polar, at codon 14 of the ASPA protein (p.Val14Ile). This variant is not present in population databases (gnomAD no frequency). This variant has not been reported in the literature in individuals affected with ASPA-related conditions. Advanced modeling of protein sequence and biophysical properties (such as structural, functional, and spatial information, amino acid conservation, physicochemical variation, residue mobility, and thermodynamic stability) performed at Invitae indicates that this missense variant is not expected to disrupt ASPA protein function.